The following is an entry in ClinVar:

NM_014363.6(SACS):c.13042dup (p.Ala4348fs)

Gene: SACS (sacsin molecular chaperone; minus strand). Cytogenetic location: 13q12.12.
Variant type: Duplication.
Coding change: c.13042dup on transcript NM_014363.6 (MANE Select); coding-DNA position 13042, one base duplicated (G; older notation c.13042dupG).
Protein change: p.Ala4348fs; shifts the reading frame from alanine 4348.
Molecular consequence: frameshift variant.
Genome position (GRCh38, 1-based): chr13:23,330,834, C duplicated on the plus strand (G on the coding strand, the reverse complement: SACS is on the minus strand). VCF-style (leftmost placement, unchanged base first): chr13-23330833-G-GC. GRCh37 (hg19) VCF-style: chr13-23904972-G-GC.
Other names: c.12601dup, p.Ala4201fs (NM_001278055.2); short protein forms A4348fs, A4201fs.
Identifiers: ClinVar variation 1452249 (VCV001452249.8), dbSNP rs2137552236, ClinGen allele CA2573149114.

ClinVar aggregate classification (germline): Pathogenic (1 of 4 stars; one submission).

Conditions:
Spastic paraplegia. Identifiers: MedGen C0037772, HP:0001258.

Submission:

Labcorp Genetics (formerly Invitae), Labcorp
Classification: Pathogenic for Spastic paraplegia. Last evaluated: 2020-12-22. Review status: criteria provided, single submitter. Criteria: Invitae Variant Classification Sherloc (09022015). Collection method: clinical testing. Allele origin: germline.
Comment: For these reasons, this variant has been classified as Pathogenic. This variant disrupts the C-terminus of the SACS protein. Other variant(s) that disrupt this region (p.Tyr4538*) have been determined to be pathogenic (Invitae). This suggests that variants that disrupt this region of the protein are likely to be causative of disease. This variant has not been reported in the literature in individuals with SACS-related conditions. This variant is not present in population databases (ExAC no frequency). This sequence change creates a premature translational stop signal (p.Ala4348Glyfs*3) in the SACS gene. While this is not anticipated to result in nonsense mediated decay, it is expected to disrupt the last 232 amino acid(s) of the SACS protein.